The following is an entry in ClinVar:

ClinVar aggregate classification (germline): Likely benign (1 of 4 stars; one submission).

Allele frequency attached by ClinVar (database versions not stated): 1000 Genomes Project 30x 0.00078; 1000 Genomes Project 0.00080; TOPMed 0.00091; gnomAD exomes 0.00106; ESP Exome Variant Server 0.00108; ExAC 0.00117; gnomAD 0.00140.
gnomAD v4.1: 1,741 of 1,613,374 alleles (0.11%); highest among the groups gnomAD compares: Middle Eastern, 0.69%; 6 homozygotes.

Submission:

CeGaT Center for Human Genetics Tuebingen
Classification: Likely benign. Last evaluated: 2023-02-01. Review status: criteria provided, single submitter. Criteria: CeGaT Center For Human Genetics Tuebingen Variant Classification Criteria Version 2. Collection method: clinical testing. Allele origin: germline. Affected: yes. Observed: 1 variant allele.
Comment: ZNF677: BP4, BP7

NM_182609.4(ZNF677):c.537C>T (p.Ala179=)

Gene: ZNF677 (zinc finger protein 677; minus strand). Cytogenetic location: 19q13.42.
Variant type: single nucleotide variant.
Coding change: c.537C>T on transcript NM_182609.4 (MANE Select); coding-DNA position 537, C replaced by T.
Protein change: p.Ala179=; no amino-acid change (alanine 179 retained).
Molecular consequence: synonymous variant. On other transcripts: 3 prime UTR variant (2).
Genome position (GRCh38, 1-based): chr19:53,238,190, G>A on the plus strand (C>T on the coding strand, the complement: ZNF677 is on the minus strand). VCF-style: chr19-53238190-G-A. GRCh37 (hg19) VCF-style: chr19-53741443-G-A.
Other names: c.537C>T, p.Ala179= (NM_001317998.2, NM_001385608.1); c.*319C>T (NM_001385611.1, NM_001385612.1).
Identifiers: ClinVar variation 2650407 (VCV002650407.24), dbSNP rs144707444, ClinGen allele CA9632521.